The following is an entry in ClinVar:

ClinVar aggregate classification (germline): Conflicting classifications of pathogenicity. Review status: criteria provided, conflicting classifications (1 of 4 stars). 4 submissions from 4 submitters: Uncertain significance (1); Likely benign (3). Last evaluated 2025-09-03.

Conditions:
Kleefstra syndrome 2 (KLEFS2). Identifiers: MedGen C4540395, MONDO:0054701, OMIM 617768.

Allele frequency attached by ClinVar (database versions not stated): TOPMed 0.00032; ESP Exome Variant Server 0.00077.
gnomAD v4.1: 689 of 1,613,994 alleles (0.043%); highest among the groups gnomAD compares: Non-Finnish European, 0.054%; no homozygotes.

Submissions (5):

Labcorp Genetics (formerly Invitae), Labcorp
Classification: Likely benign. Last evaluated: 2025-09-03. Review status: criteria provided, single submitter. Criteria: Invitae Variant Classification Sherloc (09022015). Collection method: clinical testing. Allele origin: germline.

CeGaT Center for Human Genetics Tuebingen
Classification: Likely benign. Last evaluated: 2025-06-01. Review status: criteria provided, single submitter. Criteria: CeGaT Center For Human Genetics Tuebingen Variant Classification Criteria Version 2. Collection method: clinical testing. Allele origin: germline. Affected: yes. Observed: 3 variant alleles.
Comment: KMT2C: BP4, BP7

Blueprint Genetics
Classification: Likely benign. Last evaluated: 2024-10-22. Review status: criteria provided, single submitter. Criteria: ACMG Guidelines, 2015. Collection method: clinical testing. Allele origin: germline.

Revvity Omics, Revvity
Classification: Uncertain significance for Kleefstra syndrome 2. Last evaluated: 2019-09-06. Review status: criteria provided, single submitter. Criteria: ACMG Guidelines, 2015. Collection method: clinical testing. Allele origin: germline.

Dr. Peter K. Rogan Lab, Western University
No classification provided (evidence only). Condition: Hepatocellular carcinoma. Review status: no classification provided. Collection method: in vitro. Allele origin: not applicable. Functional consequence: retained intron. Not counted in ClinVar's aggregate classification.

NM_170606.3(KMT2C):c.12444G>T (p.Pro4148=)

Gene: KMT2C (lysine methyltransferase 2C; minus strand). Cytogenetic location: 7q36.1.
Variant type: single nucleotide variant.
Coding change: c.12444G>T on transcript NM_170606.3 (MANE Select); coding-DNA position 12444, G replaced by T.
Protein change: p.Pro4148=; no amino-acid change (proline 4148 retained).
Molecular consequence: synonymous variant.
Genome position (GRCh38, 1-based): chr7:152,152,787, C>A on the plus strand (G>T on the coding strand, the complement: KMT2C is on the minus strand). VCF-style: chr7-152152787-C-A. GRCh37 (hg19) VCF-style: chr7-151849872-C-A.
Identifiers: ClinVar variation 1663207 (VCV001663207.35), dbSNP rs147957197, ClinGen allele CA4578799.